The following is an entry in ClinVar:

ClinVar aggregate classification (germline): Uncertain significance. Review status: criteria provided, multiple submitters, no conflicts (2 of 4 stars). 3 submissions from 3 submitters: Uncertain significance (3). Last evaluated 2025-11-19.

Conditions:
RYR1-related disorder. Also called: RYR1-related condition; RYR1-related disorders. Identifiers: MedGen CN239331.
Malignant hyperthermia, susceptibility to, 1 (MHS1). Also called: RYR1-Related Malignant Hyperthermia Susceptibility; Anesthesia related hyperthermia; Malignant hyperpyrexia; Fulminating hyperpyrexia; Pharmacogenic myopathy; Malignant hyperthermia suceptibility 1. Identifiers: Orphanet 423, MedGen C2930980, MONDO:0007783, OMIM 145600.

Allele frequency attached by ClinVar (database versions not stated): TOPMed below 0.00001; ExAC 0.00001; gnomAD 0.00001.
gnomAD v4.1: 15 of 1,613,854 alleles (0.00093%); highest among the groups gnomAD compares: African/African-American, 0.0013%; no homozygotes.

Submissions (3):

Labcorp Genetics (formerly Invitae), Labcorp
Classification: Uncertain significance for RYR1-related disorder. Last evaluated: 2025-11-19. Review status: criteria provided, single submitter. Criteria: Invitae Variant Classification Sherloc (09022015). Collection method: clinical testing. Allele origin: germline.
Comment: This sequence change replaces glycine, which is neutral and non-polar, with serine, which is neutral and polar, at codon 2218 of the RYR1 protein (p.Gly2218Ser). The frequency data for this variant in the population databases is considered unreliable, as metrics indicate poor data quality at this position in the gnomAD database. This variant has not been reported in the literature in individuals affected with RYR1-related conditions. ClinVar contains an entry for this variant (Variation ID: 3069485). Invitae Evidence Modeling of protein sequence and biophysical properties (such as structural, functional, and spatial information, amino acid conservation, physicochemical variation, residue mobility, and thermodynamic stability) indicates that this missense variant is not expected to disrupt RYR1 protein function with a negative predictive value of 80%. In summary, the available evidence is currently insufficient to determine the role of this variant in disease. Therefore, it has been classified as a Variant of Uncertain Significance.

Revvity Omics, Revvity
Classification: Uncertain significance. Last evaluated: 2025-05-06. Review status: criteria provided, single submitter. Criteria: ACMG Guidelines, 2015. Collection method: clinical testing. Allele origin: germline.

All of Us Research Program, National Institutes of Health
Classification: Uncertain significance for Malignant hyperthermia, susceptibility to, 1. Last evaluated: 2024-07-20. Review status: criteria provided, single submitter. Criteria: ACMG Guidelines, 2015. Collection method: clinical testing. Allele origin: germline. Inheritance: Autosomal dominant inheritance. Observed: 5 variant alleles, 5 heterozygotes.
Comment: This missense variant replaces glycine with serine at codon 2218 of the RYR1 protein. Computational prediction is inconclusive regarding the impact of this variant on protein structure and function (internally defined REVEL score threshold 0.5 < inconclusive < 0.7, PMID: 27666373). To our knowledge, functional studies have not been reported for this variant. This variant has not been reported in individuals affected with RYR1-related disorders in the literature. This variant has been identified in 2/282390 chromosomes in the general population by the Genome Aggregation Database (gnomAD). The available evidence is insufficient to determine the role of this variant in disease conclusively. Therefore, this variant is classified as a Variant of Uncertain Significance.

This study involves interpretation of variants in research participants for the purpose of population health screening. Participant phenotype was not available at the time of variant classification. Additional details can be found in publication PMID: 35346344, PMCID: PMC8962531

NM_000540.3(RYR1):c.6652G>A (p.Gly2218Ser)

Gene: RYR1 (ryanodine receptor 1; plus strand). Cytogenetic location: 19q13.2.
Variant type: single nucleotide variant.
Coding change: c.6652G>A on transcript NM_000540.3 (MANE Select); coding-DNA position 6652, G replaced by A.
Protein change: p.Gly2218Ser; replaces glycine 2218 with serine.
Molecular consequence: missense variant.
Genome position (GRCh38, 1-based): chr19:38,496,318, G>A. VCF-style: chr19-38496318-G-A. GRCh37 (hg19) VCF-style: chr19-38986958-G-A.
Other names: c.6652G>A, p.Gly2218Ser (NM_001042723.2); short protein forms G2218S.
Identifiers: ClinVar variation 3069485 (VCV003069485.4), dbSNP rs747080249, ClinGen allele CA068513.